The following is an entry in ClinVar:

ClinVar aggregate classification (germline): Conflicting classifications of pathogenicity. Review status: criteria provided, conflicting classifications (1 of 4 stars). 2 submissions from 2 submitters: Uncertain significance (1); Likely benign (1). Last evaluated 2024-02-15.

Conditions:
Odonto-onycho-dermal dysplasia. Identifiers: Orphanet 2721, MedGen C0796093, MONDO:0009773, OMIM 257980.
Tooth agenesis, selective, 4 (STHAG4). Also called: SUCCEDANEOUS TEETH, AGENESIS OF; TOOTH AGENESIS, SELECTIVE, 4, WITH OR WITHOUT ECTODERMAL DYSPLASIA; LATERAL INCISORS, ABSENCE OF; LATERAL INCISORS, PEGGED OR MISSING. Identifiers: Orphanet 99798, MedGen C1835492, MONDO:0007881, OMIM 150400. Disease mechanism: loss of function.

Submissions (2):

Clinical Genomics Laboratory, Washington University in St. Louis
Classification: Uncertain significance for Odonto-onycho-dermal dysplasia. Last evaluated: 2024-02-15. Review status: criteria provided, single submitter. Criteria: ACMG Guidelines, 2015. Collection method: clinical testing. Allele origin: germline.
Comment: The WNT10A c.456C>T (p.Gly152=) variant, to our knowledge, has not been reported in the medical literature but has been reported in the ClinVar database as a germline likely benign variant by one submitter. This variant is absent from the general population (gnomAD v.2.1.1), indicating it is not a common variant. This variant creates a novel GT dinucleotide, which could serve as a novel cryptic donor site, but computational predictors indicate that the variant has no impact on splicing, evidence that this variant does not have a damaging effect on WNT10A function. Due to limited information, and based on ACMG/AMP guidelines for variant interpretation (Richards S et al., PMID: 25741868), the clinical significance of this variant is uncertain at this time.

Labcorp Genetics (formerly Invitae), Labcorp
Classification: Likely benign for Tooth agenesis, selective, 4; Odonto-onycho-dermal dysplasia. Last evaluated: 2022-08-16. Review status: criteria provided, single submitter. Criteria: Invitae Variant Classification Sherloc (09022015). Collection method: clinical testing. Allele origin: germline.

NM_025216.3(WNT10A):c.456C>T (p.Gly152=)

Gene: WNT10A (Wnt family member 10A; plus strand). Cytogenetic location: 2q35.
Variant type: single nucleotide variant.
Coding change: c.456C>T on transcript NM_025216.3 (MANE Select); coding-DNA position 456, C replaced by T.
Protein change: p.Gly152=; no amino-acid change (glycine 152 retained).
Molecular consequence: synonymous variant.
Genome position (GRCh38, 1-based): chr2:218,890,063, C>T. VCF-style: chr2-218890063-C-T. GRCh37 (hg19) VCF-style: chr2-219754785-C-T.
Identifiers: ClinVar variation 1491448 (VCV001491448.7), dbSNP rs1359098202, ClinGen allele CA431234796.
Genomic context (GRCh38, chr2:218,890,063, plus strand): 5'-TGCCTACGCCATCGCAGCAGCTGGCGTGGTGCACGCCGTGTCCAATGCGTGTGCCCTGGG[C>T]AAACTGAAGGCCTGTGGCTGTGATGCGTCCCGGCGAGGGGACGAGGAGGCCTTCCGTAGG-3'
Protein context (NP_079492.2, residues 142-162): VHAVSNACAL[Gly152=]KLKACGCDAS